The following is an entry in ClinVar:

NM_004385.5(VCAN):c.2875A>T (p.Ser959Cys)

Gene: VCAN (versican; plus strand). Cytogenetic location: 5q14.3.
Variant type: single nucleotide variant.
Coding change: c.2875A>T on transcript NM_004385.5 (MANE Select); coding-DNA position 2875, A replaced by T.
Protein change: p.Ser959Cys; replaces serine 959 with cysteine.
Molecular consequence: missense variant. On other transcripts: intron variant (2).
Genome position (GRCh38, 1-based): chr5:83,521,181, A>T. VCF-style: chr5-83521181-A-T. GRCh37 (hg19) VCF-style: chr5-82817000-A-T.
Other names: c.2875A>T, p.Ser959Cys (NM_001164098.2); c.1042+8785A>T (NM_001164097.2, NM_001126336.3); short protein forms S959C.
Identifiers: ClinVar variation 354408 (VCV000354408.18), dbSNP rs78164236, ClinGen allele CA3332908.
Genomic context (GRCh38, chr5:83,521,181, plus strand): 5'-ACTGTTCCCCAATTTGCACACACTTCAGAGGTGGAAGGATTAGCATTTGTTAGTTATAGT[A>T]GCACCCAAGAGCCTACTACTTATGTAGACTCTTCCCATACCATTCCTCTTTCTGTAATTC-3'
Protein context (NP_004376.2, residues 949-969): VEGLAFVSYS[Ser959Cys]TQEPTTYVDS

ClinVar aggregate classification (germline): Benign/Likely benign. Review status: criteria provided, multiple submitters, no conflicts (2 of 4 stars). 4 submissions from 4 submitters: Benign (2); Likely benign (2). Last evaluated 2026-02-02.

Conditions:
Vitreoretinopathy. Also called: Vitreoretinal degeneration. Identifiers: MedGen C0344290, MONDO:0020248, HP:0007773.

Allele frequency attached by ClinVar (database versions not stated): gnomAD exomes 0.00048 and 0.00127; ExAC 0.00150; gnomAD 0.00485 and 0.00525; 1000 Genomes Project 0.00499; ESP Exome Variant Server 0.00531; 1000 Genomes Project 30x 0.00578; TOPMed 0.00584.
gnomAD v4.1: 1,483 of 1,613,474 alleles (0.092%); highest among the groups gnomAD compares: African/African-American, 1.8%; 7 homozygotes.

Submissions (4):

Labcorp Genetics (formerly Invitae), Labcorp
Classification: Benign. Last evaluated: 2026-02-02. Review status: criteria provided, single submitter. Criteria: Invitae Variant Classification Sherloc (09022015). Collection method: clinical testing. Allele origin: germline.

Blueprint Genetics
Classification: Likely benign. Last evaluated: 2024-11-25. Review status: criteria provided, single submitter. Criteria: ACMG Guidelines, 2015. Collection method: clinical testing. Allele origin: germline.

Illumina Laboratory Services, Illumina
Classification: Benign for Vitreoretinopathy. Last evaluated: 2018-01-12. Review status: criteria provided, single submitter. Criteria: ICSL Variant Classification Criteria 13 December 2019. Collection method: clinical testing. Allele origin: germline.
Comment: This variant was observed in the ICSL laboratory as part of a predisposition screen in an ostensibly healthy population. It had not been previously curated by ICSL or reported in the Human Gene Mutation Database (HGMD: prior to June 1st, 2018), and was therefore a candidate for classification through an automated scoring system. Utilizing variant allele frequency, disease prevalence and penetrance estimates, and inheritance mode, an automated score was calculated to assess if this variant is too frequent to cause the disease. Based on the score and internal cut-off values, a variant classified as benign is not then subjected to further curation. The score for this variant resulted in a classification of benign for this disease.

Breakthrough Genomics
Classification: Likely benign. Review status: criteria provided, single submitter. Criteria: ACMG Guidelines, 2015. Collection method: not provided. Allele origin: germline. Inheritance: Autosomal dominant inheritance. Affected: yes.